The following is an entry in ClinVar:

NM_000132.4(F8):c.5939A>C (p.His1980Pro)

Gene: F8 (coagulation factor VIII; minus strand). Cytogenetic location: Xq28.
Variant type: single nucleotide variant.
Coding change: c.5939A>C on transcript NM_000132.4 (MANE Select); coding-DNA position 5939, A replaced by C.
Protein change: p.His1980Pro; replaces histidine 1980 with proline.
Molecular consequence: missense variant.
Genome position (GRCh38, 1-based): chrX:154,903,965, T>G on the plus strand (A>C on the coding strand, the complement: F8 is on the minus strand). VCF-style: chrX-154903965-T-G. GRCh37 (hg19) VCF-style: chrX-154132240-T-G.
Other names: short protein forms H1980P.
Identifiers: ClinVar variation 4687416 (VCV004687416.1).

ClinVar aggregate classification (germline): Uncertain significance (1 of 4 stars; one submission).

Submission:

Women's Health and Genetics/Laboratory Corporation of America, LabCorp
Classification: Uncertain significance. Last evaluated: 2025-10-09. Review status: criteria provided, single submitter. Criteria: LabCorp Variant Classification Summary - May 2015. Collection method: clinical testing. Allele origin: germline.
Comment: Variant summary: F8 c.5939A>C (p.His1980Pro) results in a non-conservative amino acid change in the encoded protein sequence. Algorithms developed to predict the effect of missense changes on protein structure and function are either unavailable or do not agree on the potential impact of this missense change. The variant was absent in 183283 control chromosomes. The available data on variant occurrences in the general population are insufficient to allow any conclusion about variant significance. c.5939A>C has been observed in one individual affected with Hemophilia (Habart_2003). These report(s) do not provide unequivocal conclusions about association of the variant with Factor VIII Deficiency (Hemophilia A). To our knowledge, no experimental evidence demonstrating an impact on protein function has been reported. The following publications have been ascertained in the context of this evaluation (PMID: 12871415, 19473423). No submitters have cited clinical-significance assessments for this variant to ClinVar. Based on the evidence outlined above, the variant was classified as uncertain significance.

Literature cited by the submitters: PubMed 19473423; PubMed 12871415.